The following is an entry in ClinVar:

NM_004963.4(GUCY2C):c.1047del (p.Lys350fs)

Genes: GUCY2C (guanylate cyclase 2C; minus strand), GUCY2C-AS1 (GUCY2C antisense RNA 1; plus strand). Cytogenetic location: 12p12.3.
Variant type: Deletion.
Coding change: c.1047del on transcript NM_004963.4 (MANE Select); coding-DNA position 1047, one base deleted (C; older notation c.1047delC).
Protein change: p.Lys350fs; shifts the reading frame from lysine 350.
Molecular consequence: frameshift variant.
Genome position (GRCh38, 1-based): chr12:14,674,662, G deleted on the plus strand (C on the coding strand, the reverse complement: GUCY2C is on the minus strand); the first of 5 consecutive G bases (chr12:14,674,662-14,674,666); deleting any one gives the same sequence. VCF-style (leftmost placement, unchanged base first): chr12-14674661-TG-T. GRCh37 (hg19) VCF-style: chr12-14827595-TG-T.
Other names: c.1047delC (NM_004963.4); short protein forms K350fs.
Identifiers: ClinVar variation 977074 (VCV000977074.1), dbSNP rs1451730099, ClinGen allele CA603509721.
Genomic context (GRCh38, chr12:14,674,661, plus strand): 5'-TATTTGCTCTTAGTAGACCAGTACCTTCAAAAGTGAGATTCCTGAAAGCATGAGCAAATT[TG>T]GGGGTGGTAATATTTTCTCCATTTTCAAGAAATATCTTCAGCATATGTCCAAAGAGCAGG-3'

ClinVar aggregate classification (germline): Likely pathogenic (1 of 4 stars; one submission).

Conditions:
Meconium ileus. Identifiers: Orphanet 314376, MedGen C2939175, MONDO:0054868, HP:0004401.

Submission:

Hadassah Hebrew University Medical Center
Classification: Likely pathogenic for Meconium ileus. Last evaluated: 2019-06-20. Review status: criteria provided, single submitter. Criteria: ACMG Guidelines, 2015. Collection method: clinical testing. Allele origin: germline.

Literature cited by the submitters: PubMed 33223529.